The following is an entry in ClinVar:

ClinVar aggregate classification (germline): Benign/Likely benign. Review status: criteria provided, multiple submitters, no conflicts (2 of 4 stars). 5 submissions from 5 submitters: Benign (2); Likely benign (2). 1 of the submissions does not count toward it. Last evaluated 2026-07-01.

Conditions:
EFL1-related disorder. Also called: EFL1-related condition.

Allele frequency attached by ClinVar (database versions not stated): gnomAD exomes 0.00020 and 0.00053; ExAC 0.00057; ESP Exome Variant Server 0.00142; TOPMed 0.00228; gnomAD 0.00230 and 0.00243; 1000 Genomes Project 30x 0.00234; 1000 Genomes Project 0.00280.
gnomAD v4.1: 665 of 1,614,090 alleles (0.041%); highest among the groups gnomAD compares: African/African-American, 0.77%; 5 homozygotes.

Submissions (5):

CeGaT Center for Human Genetics Tuebingen
Classification: Likely benign. Last evaluated: 2026-07-01. Review status: criteria provided, single submitter. Criteria: CeGaT Center For Human Genetics Tuebingen Variant Classification Criteria Version 2. Collection method: clinical testing. Allele origin: germline. Affected: yes. Observed: 1 variant allele.
Comment: EFL1: BP4

Labcorp Genetics (formerly Invitae), Labcorp
Classification: Benign. Last evaluated: 2025-12-26. Review status: criteria provided, single submitter. Criteria: Invitae Variant Classification Sherloc (09022015). Collection method: clinical testing. Allele origin: germline.

Blueprint Genetics
Classification: Likely benign. Last evaluated: 2024-09-09. Review status: criteria provided, single submitter. Criteria: ACMG Guidelines, 2015. Collection method: clinical testing. Allele origin: germline.

Breakthrough Genomics
Classification: Benign. Review status: criteria provided, single submitter. Criteria: ACMG Guidelines, 2015. Collection method: not provided. Allele origin: germline. Inheritance: Autosomal recessive inheritance. Affected: yes.

PreventionGenetics, part of Exact Sciences
Classification: Likely benign for EFL1-related condition. Last evaluated: 2019-02-22. Review status: no assertion criteria provided. Collection method: clinical testing. Allele origin: germline. Not counted in ClinVar's aggregate classification.
Comment: This variant is classified as likely benign based on ACMG/AMP sequence variant interpretation guidelines (Richards et al. 2015 PMID: 25741868, with internal and published modifications).

NM_024580.6(EFL1):c.2342C>T (p.Ser781Phe)

Gene: EFL1 (elongation factor like GTPase 1; minus strand). Cytogenetic location: 15q25.2.
Variant type: single nucleotide variant.
Coding change: c.2342C>T on transcript NM_024580.6 (MANE Select); coding-DNA position 2342, C replaced by T.
Protein change: p.Ser781Phe; replaces serine 781 with phenylalanine.
Molecular consequence: missense variant. On other transcripts: non-coding transcript variant (1).
Genome position (GRCh38, 1-based): chr15:82,152,112, G>A on the plus strand (C>T on the coding strand, the complement: EFL1 is on the minus strand). VCF-style: chr15-82152112-G-A. GRCh37 (hg19) VCF-style: chr15-82444453-G-A.
Other names: c.2189C>T, p.Ser730Phe (NM_001040610.3); c.1553C>T, p.Ser518Phe (NM_001322844.2); c.2342C>T, p.Ser781Phe (NM_001322845.2); c.2342C>T (NM_024580.5); short protein forms S781F, S518F, S730F.
Identifiers: ClinVar variation 720725 (VCV000720725.14), dbSNP rs115354615, ClinGen allele CA7697761.
Genomic context (GRCh38, chr15:82,152,112, plus strand): 5'-CAAATTTTCTCTTGGGTCTTCTGATGAATCATGTGAGTATTTTCACCCTCATTCAAAGAG[G>A]ATGTCAACTGCTCCATAGAACGAATCAAATCACTATTTTCTTCCAGAATCTGGGTGACTT-3'
Protein context (NP_078856.4, residues 771-791): DLIRSMEQLT[Ser781Phe]SLNEGENTHM